The following is an entry in ClinVar:

NM_001082486.2(ACD):c.758C>T (p.Pro253Leu)

Gene: ACD (ACD shelterin complex subunit and telomerase recruitment factor; minus strand). Cytogenetic location: 16q22.1.
Variant type: single nucleotide variant.
Coding change: c.758C>T on transcript NM_001082486.2 (MANE Select); coding-DNA position 758, C replaced by T.
Protein change: p.Pro253Leu; replaces proline 253 with leucine.
Molecular consequence: missense variant. On other transcripts: intron variant (1).
Genome position (GRCh38, 1-based): chr16:67,658,626, G>A on the plus strand (C>T on the coding strand, the complement: ACD is on the minus strand). VCF-style: chr16-67658626-G-A. GRCh37 (hg19) VCF-style: chr16-67692529-G-A.
Other names: c.749C>T, p.Pro250Leu (NM_022914.3); c.742+94C>T (NM_001410884.1); short protein forms P250L, P253L.
Identifiers: ClinVar variation 2447160 (VCV002447160.3), dbSNP rs752205833, ClinGen allele CA396353328.
Genomic context (GRCh38, chr16:67,658,626, plus strand): 5'-GGTGAGGAAGGAGGAGAGGCTATGAGGGTCAGAGATAGGTCCTGCAGAGCCGGGTCTGGT[G>A]GGGGCAGCTCAGGGCCTGGGGGGTTCAGGAAGTCTTATCAGCACTGTGGACCTGGGCCCC-3'
Protein context (NP_001075955.2, residues 243-263): CQRTQGPELP[Pro253Leu]PDPALQDLSL

ClinVar aggregate classification (germline): Uncertain significance. Review status: criteria provided, multiple submitters, no conflicts (2 of 4 stars). 2 submissions from 2 submitters: Uncertain significance (2). Last evaluated 2025-12-29.

Conditions:
Inborn genetic diseases. Identifiers: MedGen C0950123, MeSH D030342.

Allele frequency attached by ClinVar (database versions not stated): gnomAD 0.00001.
gnomAD v4.1: 4 of 1,578,366 alleles (0.00025%); highest among the groups gnomAD compares: Non-Finnish European, 0.00034%; no homozygotes.

Submissions (2):

Center for Genomic Medicine, Rigshospitalet, Copenhagen University Hospital
Classification: Uncertain significance. Last evaluated: 2025-12-29. Review status: criteria provided, single submitter. Criteria: ACMG Guidelines, 2015. Collection method: clinical testing. Allele origin: germline.
Comment: Classification criteria: BP4_Moderate

Ambry Genetics
Classification: Uncertain significance for Inborn genetic diseases. Last evaluated: 2022-11-18. Review status: criteria provided, single submitter. Criteria: Ambry Variant Classification Scheme 2023. Collection method: clinical testing. Allele origin: germline.
Comment: The p.P339L variant (also known as c.1016C>T), located in coding exon 9 of the ACD gene, results from a C to T substitution at nucleotide position 1016. The proline at codon 339 is replaced by leucine, an amino acid with similar properties. This amino acid position is conserved. In addition, this alteration is predicted to be tolerated by in silico analysis. Since supporting evidence is limited at this time, the clinical significance of this alteration remains unclear.